The following is an entry in ClinVar:

NM_006231.4(POLE):c.2443T>G (p.Phe815Val)

Gene: POLE (DNA polymerase epsilon, catalytic subunit; minus strand). Cytogenetic location: 12q24.33.
Variant type: single nucleotide variant.
Coding change: c.2443T>G on transcript NM_006231.4 (MANE Select); coding-DNA position 2443, T replaced by G.
Protein change: p.Phe815Val; replaces phenylalanine 815 with valine.
Molecular consequence: missense variant.
Genome position (GRCh38, 1-based): chr12:132,665,327, A>C on the plus strand (T>G on the coding strand, the complement: POLE is on the minus strand). VCF-style: chr12-132665327-A-C. GRCh37 (hg19) VCF-style: chr12-133241913-A-C.
Other names: short protein forms F815V.
Identifiers: ClinVar variation 1472069 (VCV001472069.8), dbSNP rs2042769205, ClinGen allele CA387397001.

ClinVar aggregate classification (germline): Uncertain significance (1 of 4 stars; one submission).

Submission:

Labcorp Genetics (formerly Invitae), Labcorp
Classification: Uncertain significance. Last evaluated: 2023-07-07. Review status: criteria provided, single submitter. Criteria: Invitae Variant Classification Sherloc (09022015). Collection method: clinical testing. Allele origin: germline.
Comment: This variant is not present in population databases (gnomAD no frequency). This sequence change replaces phenylalanine, which is neutral and non-polar, with valine, which is neutral and non-polar, at codon 815 of the POLE protein (p.Phe815Val). This variant has not been reported in the literature in individuals affected with POLE-related conditions. In summary, the available evidence is currently insufficient to determine the role of this variant in disease. Therefore, it has been classified as a Variant of Uncertain Significance. Advanced modeling of protein sequence and biophysical properties (such as structural, functional, and spatial information, amino acid conservation, physicochemical variation, residue mobility, and thermodynamic stability) performed at Invitae indicates that this missense variant is expected to disrupt POLE protein function. ClinVar contains an entry for this variant (Variation ID: 1472069).